The following is an entry in ClinVar:

NM_006236.3(POU3F3):c.1351C>T (p.Arg451Trp)

Gene: POU3F3 (POU class 3 homeobox 3; plus strand). Cytogenetic location: 2q12.1.
Variant type: single nucleotide variant.
Coding change: c.1351C>T on transcript NM_006236.3 (MANE Select); coding-DNA position 1351, C replaced by T.
Protein change: p.Arg451Trp; replaces arginine 451 with tryptophan.
Molecular consequence: missense variant.
Genome position (GRCh38, 1-based): chr2:104,856,861, C>T. VCF-style: chr2-104856861-C-T. GRCh37 (hg19) VCF-style: chr2-105473319-C-T.
Other names: short protein forms R451W.
Identifiers: ClinVar variation 3375984 (VCV003375984.1).
Genomic context (GRCh38, chr2:104,856,861, plus strand): 5'-CCCTCCGCGCAGGAGATCACCAACCTGGCCGACAGCCTGCAGCTCGAGAAGGAGGTGGTG[C>T]GGGTCTGGTTCTGCAATCGGCGCCAAAAGGAGAAGCGCATGACGCCGCCCGGGATCCAAC-3'
Protein context (NP_006227.1, residues 441-461): DSLQLEKEVV[Arg451Trp]VWFCNRRQKE

ClinVar aggregate classification (germline): Uncertain significance (1 of 4 stars; one submission).

Submission:

GeneDx
Classification: Uncertain significance. Last evaluated: 2024-05-10. Review status: criteria provided, single submitter. Criteria: GeneDx Variant Classification Process June 2021. Collection method: clinical testing. Allele origin: germline. Affected: yes.
Comment: Not observed at significant frequency in large population cohorts (gnomAD); In silico analysis supports that this missense variant has a deleterious effect on protein structure/function; Has not been previously published as pathogenic or benign to our knowledge